The following is an entry in ClinVar:

NM_000553.6(WRN):c.2031del (p.His678fs)

Gene: WRN (WRN RecQ like helicase; plus strand). Cytogenetic location: 8p12.
Variant type: Deletion.
Coding change: c.2031del on transcript NM_000553.6 (MANE Select); coding-DNA position 2031, one base deleted (G; older notation c.2031delG).
Protein change: p.His678fs; shifts the reading frame from histidine 678.
Molecular consequence: frameshift variant.
Genome position (GRCh38, 1-based): chr8:31,100,898, G deleted; the last of 5 consecutive G bases (chr8:31,100,894-31,100,898); deleting any one gives the same sequence. VCF-style (leftmost placement, unchanged base first): chr8-31100893-TG-T. GRCh37 (hg19) VCF-style: chr8-30958409-TG-T.
Other names: short protein forms H678fs.
Identifiers: ClinVar variation 1075177 (VCV001075177.5), dbSNP rs2130229354, ClinGen allele CA2499219246.

ClinVar aggregate classification (germline): Pathogenic (1 of 4 stars; one submission).

Conditions:
Werner syndrome (WRN). Identifiers: Orphanet 902, MedGen C0043119, MONDO:0010196, OMIM 277700.

Submission:

Labcorp Genetics (formerly Invitae), Labcorp
Classification: Pathogenic for Werner syndrome. Last evaluated: 2022-01-15. Review status: criteria provided, single submitter. Criteria: Invitae Variant Classification Sherloc (09022015). Collection method: clinical testing. Allele origin: germline.
Comment: This sequence change creates a premature translational stop signal (p.His678Metfs*13) in the WRN gene. It is expected to result in an absent or disrupted protein product. Loss-of-function variants in WRN are known to be pathogenic (PMID: 16673358). This variant is not present in population databases (gnomAD no frequency). This variant has not been reported in the literature in individuals affected with WRN-related conditions. ClinVar contains an entry for this variant (Variation ID: 1075177). For these reasons, this variant has been classified as Pathogenic.

Literature cited by the submitters: PubMed 16673358.